The following is an entry in ClinVar:

NM_001394062.1(MACF1):c.16792G>T (p.Ala5598Ser)

Gene: MACF1 (microtubule actin crosslinking factor 1; plus strand). Cytogenetic location: 1p34.3.
Variant type: single nucleotide variant.
Coding change: c.16792G>T on transcript NM_001394062.1 (MANE Select); coding-DNA position 16792, G replaced by T.
Protein change: p.Ala5598Ser; replaces alanine 5598 with serine.
Molecular consequence: missense variant. On other transcripts: intron variant (1).
Genome position (GRCh38, 1-based): chr1:39,428,276, G>T. VCF-style: chr1-39428276-G-T. GRCh37 (hg19) VCF-style: chr1-39893948-G-T.
Other names: c.10606G>T (NM_012090.4); c.10606G>T, p.Ala3536Ser (NM_012090.5); c.4872+662G>T (NM_001397473.1); short protein forms A5598S, A3536S.
Identifiers: ClinVar variation 3677637 (VCV003677637.3).

ClinVar aggregate classification (germline): Uncertain significance. Review status: criteria provided, multiple submitters, no conflicts (2 of 4 stars). 2 submissions from 2 submitters: Uncertain significance (2). Last evaluated 2025-08-11.

Conditions:
Inborn genetic diseases. Identifiers: MedGen C0950123, MeSH D030342.

Submissions (2):

Ambry Genetics
Classification: Uncertain significance for Inborn genetic diseases. Last evaluated: 2025-08-11. Review status: criteria provided, single submitter. Criteria: Ambry Variant Classification Scheme 2023. Collection method: clinical testing. Allele origin: germline.

Labcorp Genetics (formerly Invitae), Labcorp
Classification: Uncertain significance. Last evaluated: 2024-04-27. Review status: criteria provided, single submitter. Criteria: Invitae Variant Classification Sherloc (09022015). Collection method: clinical testing. Allele origin: germline.
Comment: This sequence change replaces alanine, which is neutral and non-polar, with serine, which is neutral and polar, at codon 3536 of the MACF1 protein (p.Ala3536Ser). This variant is not present in population databases (gnomAD no frequency). This variant has not been reported in the literature in individuals affected with MACF1-related conditions. An algorithm developed to predict the effect of missense changes on protein structure and function (PolyPhen-2) suggests that this variant is likely to be tolerated. In summary, the available evidence is currently insufficient to determine the role of this variant in disease. Therefore, it has been classified as a Variant of Uncertain Significance.